The following is an entry in ClinVar:

ClinVar aggregate classification (germline): Benign (1 of 4 stars; one submission).

Conditions:
Sorsby fundus dystrophy (SFD). Also called: MACULAR DYSTROPHY, HEMORRHAGIC; Sorsby fundus dystrophy, Lavia type; FUNDUS DYSTROPHY, PSEUDOINFLAMMATORY, OF SORSBY. Identifiers: Orphanet 59181, MedGen C1850938, MONDO:0007640, OMIM 136900.

Allele frequency attached by ClinVar (database versions not stated): 1000 Genomes Project 30x 0.00234; 1000 Genomes Project 0.00260; gnomAD 0.00286 and 0.00306; TOPMed 0.00309.

Submission:

Illumina Laboratory Services, Illumina
Classification: Benign for Sorsby fundus dystrophy. Last evaluated: 2018-01-13. Review status: criteria provided, single submitter. Criteria: ICSL Variant Classification Criteria 13 December 2019. Collection method: clinical testing. Allele origin: germline.
Comment: This variant was observed in the ICSL laboratory as part of a predisposition screen in an ostensibly healthy population. It had not been previously curated by ICSL or reported in the Human Gene Mutation Database (HGMD: prior to June 1st, 2018), and was therefore a candidate for classification through an automated scoring system. Utilizing variant allele frequency, disease prevalence and penetrance estimates, and inheritance mode, an automated score was calculated to assess if this variant is too frequent to cause the disease. Based on the score and internal cut-off values, a variant classified as benign is not then subjected to further curation. The score for this variant resulted in a classification of benign for this disease.

NM_000362.5(TIMP3):c.*3282C>T

Genes: SYN3 (synapsin III; minus strand), TIMP3 (TIMP metallopeptidase inhibitor 3; plus strand). Cytogenetic location: 22q12.3.
Variant type: single nucleotide variant.
Coding change: c.*3282C>T on transcript NM_000362.5 (MANE Select); 3282 bases downstream of the stop codon, C replaced by T.
Molecular consequence: 3 prime UTR variant. On other transcripts: intron variant (7).
Genome position (GRCh38, 1-based): chr22:32,862,659, C>T. VCF-style: chr22-32862659-C-T. GRCh37 (hg19) VCF-style: chr22-33258646-C-T.
Other names: c.708+2256G>A (NM_001369909.1, NM_001135774.2, NM_001369910.1); c.711+2256G>A (NM_001369907.1, NM_003490.4, NM_001369908.1 and 1 more transcripts).
Identifiers: ClinVar variation 341406 (VCV000341406.5), dbSNP rs564138368, ClinGen allele CA10651196.